The following is an entry in ClinVar:

ClinVar aggregate classification (germline): Likely pathogenic (1 of 4 stars; one submission).

Conditions:
Familial aortopathy. Identifiers: MedGen CN078214.

Submission:

Women's Health and Genetics/Laboratory Corporation of America, LabCorp
Classification: Likely pathogenic for Familial aortopathy. Last evaluated: 2017-10-10. Review status: criteria provided, single submitter. Criteria: LabCorp Variant Classification Summary - May 2015. Collection method: clinical testing. Allele origin: germline.
Comment: Variant summary: The COL3A1 c.447+1G>A variant involves the alteration of a conserved intronic nucleotide. One in silico tool predicts a damaging outcome for this variant. 4/5 splice prediction tools predict a significant impact on normal splicing. However, these predictions have yet to be confirmed by functional studies. This variant is absent in 214794 control chromosomes in gnomAD. The variant of interest has not, to our knowledge, been reported in affected individuals via publications and/or reputable databases/clinical diagnostic laboratories; nor evaluated for functional impact by in vivo/vitro studies. Taken together, this variant is classified as likely pathogenic.

NM_000090.4(COL3A1):c.447+1G>A

Gene: COL3A1 (collagen type III alpha 1 chain; plus strand). Cytogenetic location: 2q32.2.
Variant type: single nucleotide variant.
Coding change: c.447+1G>A on transcript NM_000090.4 (MANE Select); the canonical splice donor site of the intron after coding-DNA position 447, G replaced by A.
Molecular consequence: splice donor variant.
Genome position (GRCh38, 1-based): chr2:188,985,779, G>A. VCF-style: chr2-188985779-G-A. GRCh37 (hg19) VCF-style: chr2-189850505-G-A.
Identifiers: ClinVar variation 633179 (VCV000633179.1), dbSNP rs1559053022, ClinGen allele CA349848016.